The following is an entry in ClinVar:

NM_000264.5(PTCH1):c.218G>T (p.Arg73Leu)

Gene: PTCH1 (patched 1; minus strand). Cytogenetic location: 9q22.32.
Variant type: single nucleotide variant.
Coding change: c.218G>T on transcript NM_000264.5 (MANE Select); coding-DNA position 218, G replaced by T.
Protein change: p.Arg73Leu; replaces arginine 73 with leucine.
Molecular consequence: missense variant. On other transcripts: 5 prime UTR variant (4), non-coding transcript variant (1).
Genome position (GRCh38, 1-based): chr9:95,506,583, C>A on the plus strand (G>T on the coding strand, the complement: PTCH1 is on the minus strand). VCF-style: chr9-95506583-C-A. GRCh37 (hg19) VCF-style: chr9-98268865-C-A.
Other names: c.20G>T, p.Arg7Leu (NM_001083602.3, NM_001354919.2); c.215G>T, p.Arg72Leu (NM_001083603.3); c.-236G>T (NM_001083604.3, NM_001083605.3, NM_001083606.3 and 1 more transcripts); c.218G>T, p.Arg73Leu (NM_001354918.2); short protein forms R7L, R72L, R73L.
Identifiers: ClinVar variation 4845069 (VCV004845069.1).

ClinVar aggregate classification (germline): Uncertain significance (1 of 4 stars; one submission).

Conditions:
Hereditary cancer-predisposing syndrome. Also called: Neoplastic Syndromes, Hereditary; Tumor predisposition; Hereditary Cancer Syndrome; Hereditary neoplastic syndrome. Identifiers: Orphanet 140162, MedGen C0027672, MeSH D009386, MONDO:0015356.

Submission:

Ambry Genetics
Classification: Uncertain significance for Hereditary cancer-predisposing syndrome. Last evaluated: 2026-01-20. Review status: criteria provided, single submitter. Criteria: Ambry Variant Classification Scheme 2023. Collection method: clinical testing. Allele origin: germline.
Comment: The p.R73L variant (also known as c.218G>T), located in coding exon 2 of the PTCH1 gene, results from a G to T substitution at nucleotide position 218. The arginine at codon 73 is replaced by leucine, an amino acid with dissimilar properties. This amino acid position is conserved. In addition, this alteration is predicted to be deleterious by in silico analysis. Based on the available evidence, the clinical significance of this variant remains unclear.